The following is an entry in ClinVar:

NM_021619.3(PRDM12):c.547A>G (p.Ser183Gly)

Gene: PRDM12 (PR/SET domain 12; plus strand). Cytogenetic location: 9q34.12.
Variant type: single nucleotide variant.
Coding change: c.547A>G on transcript NM_021619.3 (MANE Select); coding-DNA position 547, A replaced by G.
Protein change: p.Ser183Gly; replaces serine 183 with glycine.
Molecular consequence: missense variant.
Genome position (GRCh38, 1-based): chr9:130,668,290, A>G. VCF-style: chr9-130668290-A-G. GRCh37 (hg19) VCF-style: chr9-133543677-A-G.
Other names: short protein forms S183G.
Identifiers: ClinVar variation 1747778 (VCV001747778.7), dbSNP rs771499462, ClinGen allele CA5284563.
Genomic context (GRCh38, chr9:130,668,290, plus strand): 5'-TACATCAAGTGTGCACGTAACGAACAGGAGCAGAACCTGGAGGTGGTCCAGATCGGCACC[A>G]GCATCTTCTACAAGGCCATTGAGGTGTGTGTGTGTGTGTGCACTGTTGTGTAGGGACCAG-3'
Protein context (NP_067632.2, residues 173-193): QNLEVVQIGT[Ser183Gly]IFYKAIEMIP

ClinVar aggregate classification (germline): Uncertain significance. Review status: criteria provided, multiple submitters, no conflicts (2 of 4 stars). 2 submissions from 2 submitters: Uncertain significance (2). Last evaluated 2022-06-20.

Conditions:
Inborn genetic diseases. Identifiers: MedGen C0950123, MeSH D030342.
Congenital insensitivity to pain-hypohidrosis syndrome. Also called: HSAN VIII; Neuropathy, hereditary sensory and autonomic, type VIII. Identifiers: Orphanet 478664, MedGen C4225308, MONDO:0014662, OMIM 616488.

Allele frequency attached by ClinVar (database versions not stated): gnomAD exomes 0.00001; ExAC 0.00001.
gnomAD v4.1: 6 of 1,614,080 alleles (0.00037%); highest among the groups gnomAD compares: East Asian, 0.011%; no homozygotes.

Submissions (2):

Labcorp Genetics (formerly Invitae), Labcorp
Classification: Uncertain significance for Congenital insensitivity to pain-hypohidrosis syndrome. Last evaluated: 2022-06-20. Review status: criteria provided, single submitter. Criteria: Invitae Variant Classification Sherloc (09022015). Collection method: clinical testing. Allele origin: germline.
Comment: In summary, the available evidence is currently insufficient to determine the role of this variant in disease. Therefore, it has been classified as a Variant of Uncertain Significance. Algorithms developed to predict the effect of missense changes on protein structure and function are either unavailable or do not agree on the potential impact of this missense change (SIFT: "Deleterious"; PolyPhen-2: "Benign"; Align-GVGD: "Class C0"). This variant has not been reported in the literature in individuals affected with PRDM12-related conditions. This variant is present in population databases (rs771499462, gnomAD 0.006%). This sequence change replaces serine, which is neutral and polar, with glycine, which is neutral and non-polar, at codon 183 of the PRDM12 protein (p.Ser183Gly).

Ambry Genetics
Classification: Uncertain significance for Inborn genetic diseases. Last evaluated: 2020-10-13. Review status: criteria provided, single submitter. Criteria: Ambry Variant Classification Scheme 2023. Collection method: clinical testing. Allele origin: germline.
Comment: The p.S183G variant (also known as c.547A>G), located in coding exon 3 of the PRDM12 gene, results from an A to G substitution at nucleotide position 547. The serine at codon 183 is replaced by glycine, an amino acid with similar properties. This amino acid position is highly conserved in available vertebrate species. In addition, this alteration is predicted to be tolerated by in silico analysis. Since supporting evidence is limited at this time, the clinical significance of this alteration remains unclear.